The following is an entry in ClinVar:

NC_000016.9:g.(?_89805009)_(89807294_?)del

Genes: FANCA (FA complementation group A; minus strand), ZNF276 (zinc finger protein 276; plus strand). Cytogenetic location: 16q24.3.
Variant type: Deletion.
Identifiers: ClinVar variation 3243274 (VCV003243274.1).

ClinVar aggregate classification (germline): Pathogenic (1 of 4 stars; one submission).

Conditions:
Fanconi anemia (FA). Also called: Fanconi's anemia. Identifiers: Orphanet 84, MedGen C0015625, MeSH D005199, MONDO:0019391.

Submission:

Labcorp Genetics (formerly Invitae), Labcorp
Classification: Pathogenic for Fanconi anemia. Last evaluated: 2023-05-16. Review status: criteria provided, single submitter. Criteria: Invitae Variant Classification Sherloc (09022015). Collection method: clinical testing. Allele origin: unknown.
Comment: For these reasons, this variant has been classified as Pathogenic. This variant disrupts a region of the FANCA protein in which other variant(s) (p.Arg1400His) have been determined to be pathogenic (PMID: 17924555, 29098742). This suggests that this is a clinically significant region of the protein, and that variants that disrupt it are likely to be disease-causing. A similar copy number variant has been observed in individual(s) with Fanconi anemia (PMID: 22178060). In at least one individual the data is consistent with being in trans (on the opposite chromosome) from a pathogenic variant. This variant is a gross deletion of the genomic region encompassing exon(s) 38-43 of the FANCA gene, which includes the termination codon. This deletion extends beyond the assayed region for this gene and therefore may encompass additional genes. While this deletion is not anticipated to lead to nonsense mediated decay, it is expected to alter mRNA translation or result in a truncated protein product.

Literature cited by the submitters: PubMed 17924555; PubMed 29098742; PubMed 22178060.